The following is an entry in ClinVar:

NM_000245.4(MET):c.85G>A (p.Ala29Thr)

Gene: MET (MET proto-oncogene, receptor tyrosine kinase; plus strand). Cytogenetic location: 7q31.2.
Variant type: single nucleotide variant.
Coding change: c.85G>A on transcript NM_000245.4 (MANE Select); coding-DNA position 85, G replaced by A.
Protein change: p.Ala29Thr; replaces alanine 29 with threonine.
Molecular consequence: missense variant. On other transcripts: intron variant (1).
Genome position (GRCh38, 1-based): chr7:116,699,169, G>A. VCF-style: chr7-116699169-G-A. GRCh37 (hg19) VCF-style: chr7-116339223-G-A.
Other names: c.85G>A, p.Ala29Thr (NM_001127500.3, NM_001324401.3); c.-91+26592G>A (NM_001324402.2); short protein forms A29T.
Identifiers: ClinVar variation 3649570 (VCV003649570.2).

ClinVar aggregate classification (germline): Uncertain significance (1 of 4 stars; one submission).

Conditions:
Renal cell carcinoma. Identifiers: Orphanet 217071, MedGen C0007134, MeSH D002292, MONDO:0005086, HP:0005584.

Submission:

Labcorp Genetics (formerly Invitae), Labcorp
Classification: Uncertain significance for Renal cell carcinoma. Last evaluated: 2024-04-11. Review status: criteria provided, single submitter. Criteria: Invitae Variant Classification Sherloc (09022015). Collection method: clinical testing. Allele origin: germline.
Comment: This sequence change replaces alanine, which is neutral and non-polar, with threonine, which is neutral and polar, at codon 29 of the MET protein (p.Ala29Thr). This variant is not present in population databases (gnomAD no frequency). This variant has not been reported in the literature in individuals affected with MET-related conditions. An algorithm developed to predict the effect of missense changes on protein structure and function (PolyPhen-2) suggests that this variant is likely to be disruptive. In summary, the available evidence is currently insufficient to determine the role of this variant in disease. Therefore, it has been classified as a Variant of Uncertain Significance.